The following is an entry in ClinVar:

NM_001458.5(FLNC):c.1261C>T (p.Arg421Trp)

Gene: FLNC (filamin C; plus strand). Cytogenetic location: 7q32.1.
Variant type: single nucleotide variant.
Coding change: c.1261C>T on transcript NM_001458.5 (MANE Select); coding-DNA position 1261, C replaced by T.
Protein change: p.Arg421Trp; replaces arginine 421 with tryptophan.
Molecular consequence: missense variant.
Genome position (GRCh38, 1-based): chr7:128,838,653, C>T. VCF-style: chr7-128838653-C-T. GRCh37 (hg19) VCF-style: chr7-128478707-C-T.
Other names: c.1261C>T, p.Arg421Trp (NM_001127487.2); short protein forms R421W.
Identifiers: ClinVar variation 471966 (VCV000471966.18), dbSNP rs759075520, ClinGen allele CA4474292.
Genomic context (GRCh38, chr7:128,838,653, plus strand): 5'-TTTTCGGCAGGGGCCGGCACTGGCGATGTTGCTGTGGTGATCGTGGACCCACAGGGCCGG[C>T]GGGACACAGTGGAGGTGGCCCTGGAGGACAAGGGTGACAGCACGTTCCGCTGCACATACA-3'
Protein context (NP_001449.3, residues 411-431): AVVIVDPQGR[Arg421Trp]DTVEVALEDK

ClinVar aggregate classification (germline): Conflicting classifications of pathogenicity. Review status: criteria provided, conflicting classifications (1 of 4 stars). 5 submissions from 5 submitters: Uncertain significance (4); Likely benign (1). Last evaluated 2026-09-30.

Conditions:
Myofibrillar myopathy 5. Also called: Filaminopathy (type); FILAMINOPATHY, AUTOSOMAL DOMINANT. Identifiers: Orphanet 171445, MedGen C1836050, MONDO:0012289, OMIM 609524.
Distal myopathy with posterior leg and anterior hand involvement. Also called: WILLIAMS DISTAL MYOPATHY. Identifiers: Orphanet 63273, MedGen C3279722, MONDO:0013550, OMIM 614065.
Hypertrophic cardiomyopathy 26. Also called: Cardiomyopathy, familial hypertrophic, 26. Identifiers: Orphanet 75249, MedGen C4310749, MONDO:0014883, OMIM 617047.
Cardiovascular phenotype. Identifiers: MedGen CN230736.

Allele frequency attached by ClinVar (database versions not stated): gnomAD exomes 0.00002 and 0.00008; ExAC 0.00003; gnomAD 0.00004 and 0.00003; TOPMed 0.00004.

Submissions (5):

GeneDx
Classification: Uncertain significance. Last evaluated: 2026-09-30. Review status: criteria provided, single submitter. Criteria: GeneDx Variant Classification Process June 2021. Collection method: clinical testing. Allele origin: germline.
Comment: Reported in one individual from a control cohort (PMID: 28356264); Reported in an individual with dilated cardiomyopathy; additional clinical information not provided (PMID: 38489124); In silico analysis supports that this missense variant has a deleterious effect on protein structure/function; This variant is associated with the following publications: (PMID: 28356264, 38489124)

Labcorp Genetics (formerly Invitae), Labcorp
Classification: Likely benign for Distal myopathy with posterior leg and anterior hand involvement; Myofibrillar myopathy 5; Hypertrophic cardiomyopathy 26. Last evaluated: 2026-01-28. Review status: criteria provided, single submitter. Criteria: Invitae Variant Classification Sherloc (09022015). Collection method: clinical testing. Allele origin: germline.

Ambry Genetics
Classification: Uncertain significance for Cardiovascular phenotype. Last evaluated: 2025-08-08. Review status: criteria provided, single submitter. Criteria: Ambry Variant Classification Scheme 2023. Collection method: clinical testing. Allele origin: germline.
Comment: The p.R421W variant (also known as c.1261C>T), located in coding exon 8 of the FLNC gene, results from a C to T substitution at nucleotide position 1261. The arginine at codon 421 is replaced by tryptophan, an amino acid with dissimilar properties. This variant was reported in individual(s) with features consistent with dilated cardiomyopathy (Murphy J et al. Ir J Med Sci. 2024 Aug;193(4):1775-1785). This amino acid position is not well conserved in available vertebrate species. In addition, this alteration is predicted to be tolerated by in silico analysis. Based on the available evidence, the clinical significance of this variant remains unclear.

Fulgent Genetics
Classification: Uncertain significance for Myofibrillar myopathy 5; Distal myopathy with posterior leg and anterior hand involvement; Hypertrophic cardiomyopathy 26. Last evaluated: 2021-12-04. Review status: criteria provided, single submitter. Criteria: ACMG Guidelines, 2015. Collection method: clinical testing. Allele origin: unknown.

Revvity Omics, Revvity
Classification: Uncertain significance. Last evaluated: 2020-02-28. Review status: criteria provided, single submitter. Criteria: ACMG Guidelines, 2015. Collection method: clinical testing. Allele origin: germline.

Literature cited by the submitters: PubMed 38489124 (cited by Ambry Genetics).